The following is an entry in ClinVar:

NM_005233.6(EPHA3):c.2400G>A (p.Lys800=)

Gene: EPHA3 (EPH receptor A3; plus strand). Cytogenetic location: 3p11.1.
Variant type: single nucleotide variant.
Coding change: c.2400G>A on transcript NM_005233.6 (MANE Select); coding-DNA position 2400, G replaced by A.
Protein change: p.Lys800=; no amino-acid change (lysine 800 retained).
Molecular consequence: synonymous variant.
Genome position (GRCh38, 1-based): chr3:89,449,278, G>A. VCF-style: chr3-89449278-G-A. GRCh37 (hg19) VCF-style: chr3-89498428-G-A.
Other names: c.2400G>A, p.Lys800= (NM_001410778.1).
Identifiers: ClinVar variation 3056783 (VCV003056783.2), dbSNP rs1398197, ClinGen allele CA2502835.

ClinVar aggregate classification (germline): Benign (0 of 4 stars; one submission).

Conditions:
EPHA3-related disorder. Also called: EPHA3-related condition.

Allele frequency attached by ClinVar (database versions not stated): gnomAD exomes 0.05684; ExAC 0.07125; gnomAD 0.10533; 1000 Genomes Project 0.11262; TOPMed 0.11459; ESP Exome Variant Server 0.11541; 1000 Genomes Project 30x 0.11868.
gnomAD v4.1: 99,900 of 1,611,692 alleles (6.2%); highest among the groups gnomAD compares: African/African-American, 24%; 4,487 homozygotes.

Submission:

PreventionGenetics, part of Exact Sciences
Classification: Benign for EPHA3-related condition. Last evaluated: 2019-06-11. Review status: no assertion criteria provided. Collection method: clinical testing. Allele origin: germline.
Comment: This variant is classified as benign based on ACMG/AMP sequence variant interpretation guidelines (Richards et al. 2015 PMID: 25741868, with internal and published modifications).